The following is an entry in ClinVar:

ClinVar aggregate classification (germline): Pathogenic (1 of 4 stars; one submission).

Submission:

GeneDx
Classification: Pathogenic. Last evaluated: 2016-12-13. Review status: criteria provided, single submitter. Criteria: GeneDx Variant Classification (06012015). Collection method: clinical testing. Allele origin: germline. Affected: yes.
Comment: The c.5278_5279delAA variant in the KMT2D gene has not been reported previously as a pathogenic variant nor as a benign variant, to our knowledge. The c.5278_5279delAA variant causes a frameshift starting with codon Lysine 1760, changes this amino acid to a Glutamic acid residue, and creates a premature Stop codon at position 27 of the new reading frame, denoted p.Lys1760GlufsX27. This variant is predicted to cause loss of normal protein function either through protein truncation or nonsense-mediated mRNA decay. The c.5278_5279delAA variant was not observed in approximately 6400 individuals of European and African American ancestry in the NHLBI Exome Sequencing Project, indicating it is not a common benign variant in these populations. We interpret c.5278_5279delAA as a pathogenic variant.

NM_003482.4(KMT2D):c.5278_5279del (p.Lys1760fs)

Gene: KMT2D (lysine methyltransferase 2D; minus strand). Cytogenetic location: 12q13.12.
Variant type: Deletion.
Coding change: c.5278_5279del on transcript NM_003482.4 (MANE Select); coding-DNA positions 5278 to 5279, 2 bases deleted (AA; older notation c.5278_5279delAA).
Protein change: p.Lys1760fs; shifts the reading frame from lysine 1760.
Molecular consequence: frameshift variant.
Genome position (GRCh38, 1-based): chr12:49,043,908-49,043,909, TT deleted on the plus strand (AA on the coding strand, the reverse complement: KMT2D is on the minus strand). VCF-style (leftmost placement, unchanged base first): chr12-49043907-CTT-C. GRCh37 (hg19) VCF-style: chr12-49437690-CTT-C.
Other names: c.5278_5279delAA (NM_003482.3); short protein forms K1760fs.
Identifiers: ClinVar variation 422853 (VCV000422853.2), dbSNP rs1064796043, ClinGen allele CA16619539.
Genomic context (GRCh38, chr12:49,043,907, plus strand): 5'-TGCTTGGAGCCTGAGACCCACCTGCAAGTAAGCAGGGAACATGTCCTCCAGTTTGCTCTT[CTT>C]GCGCCCTCGCCGCTGTTGCTTCTTCTTCTCATCCCCTTCAGCTAAGCTCTGCTCCACGGC-3'